The following is an entry in ClinVar:

NM_016495.6(TBC1D7):c.728T>C (p.Leu243Ser)

Genes: TBC1D7 (TBC1 domain family member 7; minus strand), TBC1D7-LOC100130357 (TBC1D7-LOC100130357 readthrough; minus strand). Cytogenetic location: 6p24.1.
Variant type: single nucleotide variant.
Coding change: c.728T>C on transcript NM_016495.6 (MANE Select); coding-DNA position 728, T replaced by C.
Protein change: p.Leu243Ser; replaces leucine 243 with serine.
Molecular consequence: missense variant.
Genome position (GRCh38, 1-based): chr6:13,306,465, A>G on the plus strand (T>C on the coding strand, the complement: TBC1D7 is on the minus strand). VCF-style: chr6-13306465-A-G. GRCh37 (hg19) VCF-style: chr6-13306697-A-G.
Other names: c.728T>C, p.Leu243Ser (NM_001318809.2, NM_001143964.4, NM_001143965.4 and 1 more transcripts); c.647T>C, p.Leu216Ser (NM_001143966.4); c.590T>C, p.Leu197Ser (NM_001258457.3); short protein forms L216S, L243S, L197S.
Identifiers: ClinVar variation 1445285 (VCV001445285.4), dbSNP rs553366185, ClinGen allele CA3639637.

ClinVar aggregate classification (germline): Uncertain significance (1 of 4 stars; one submission).

Allele frequency attached by ClinVar (database versions not stated): gnomAD exomes 0.00013 and 0.00016; ExAC 0.00018; TOPMed 0.00019; gnomAD 0.00013.

Submission:

Labcorp Genetics (formerly Invitae), Labcorp
Classification: Uncertain significance. Last evaluated: 2025-09-11. Review status: criteria provided, single submitter. Criteria: Invitae Variant Classification Sherloc (09022015). Collection method: clinical testing. Allele origin: germline.
Comment: This sequence change replaces leucine, which is neutral and non-polar, with serine, which is neutral and polar, at codon 243 of the TBC1D7 protein (p.Leu243Ser). This variant is present in population databases (rs553366185, gnomAD 0.03%). This variant has not been reported in the literature in individuals affected with TBC1D7-related conditions. ClinVar contains an entry for this variant (Variation ID: 1445285). An algorithm developed to predict the effect of missense changes on protein structure and function (PolyPhen-2) suggests that this variant is likely to be disruptive. In summary, the available evidence is currently insufficient to determine the role of this variant in disease. Therefore, it has been classified as a Variant of Uncertain Significance.